The following is an entry in ClinVar:

NM_022455.5(NSD1):c.2601C>A (p.Leu867=)

Gene: NSD1 (nuclear receptor binding SET domain protein 1; plus strand). Cytogenetic location: 5q35.3.
Variant type: single nucleotide variant.
Coding change: c.2601C>A on transcript NM_022455.5 (MANE Select); coding-DNA position 2601, C replaced by A.
Protein change: p.Leu867=; no amino-acid change (leucine 867 retained).
Molecular consequence: synonymous variant.
Genome position (GRCh38, 1-based): chr5:177,211,000, C>A. VCF-style: chr5-177211000-C-A. GRCh37 (hg19) VCF-style: chr5-176638001-C-A.
Other names: c.1728C>A, p.Leu576= (NM_001365684.2, NM_001409306.1, NM_001409307.1 and 3 more transcripts); c.2601C>A, p.Leu867= (NM_001409301.1, NM_001409302.1, NM_001409303.1); c.2181C>A, p.Leu727= (NM_001409304.1); c.1848C>A, p.Leu616= (NM_001409305.1).
Identifiers: ClinVar variation 352878 (VCV000352878.25), dbSNP rs368078696, ClinGen allele CA3577299.

ClinVar aggregate classification (germline): Benign/Likely benign. Review status: criteria provided, multiple submitters, no conflicts (2 of 4 stars). 5 submissions from 5 submitters: Benign (1); Likely benign (4). Last evaluated 2025-07-29.

Allele frequency attached by ClinVar (database versions not stated): TOPMed 0.00003; ESP Exome Variant Server 0.00008; gnomAD 0.00029 and 0.00032; ExAC 0.00030; gnomAD exomes 0.00035.
gnomAD v4.1: 262 of 1,614,036 alleles (0.016%); highest among the groups gnomAD compares: Non-Finnish European, 0.0067%; no homozygotes.

Submissions (5):

Women's Health and Genetics/Laboratory Corporation of America, LabCorp
Classification: Likely benign. Last evaluated: 2025-07-29. Review status: criteria provided, single submitter. Criteria: LabCorp Variant Classification Summary - May 2015. Collection method: clinical testing. Allele origin: germline.

CeGaT Center for Human Genetics Tuebingen
Classification: Likely benign. Last evaluated: 2025-06-01. Review status: criteria provided, single submitter. Criteria: CeGaT Center For Human Genetics Tuebingen Variant Classification Criteria Version 2. Collection method: clinical testing. Allele origin: germline. Affected: yes. Observed: 2 variant alleles.
Comment: NSD1: BP4, BP7

Labcorp Genetics (formerly Invitae), Labcorp
Classification: Benign. Last evaluated: 2025-02-17. Review status: criteria provided, single submitter. Criteria: Invitae Variant Classification Sherloc (09022015). Collection method: clinical testing. Allele origin: germline.

Laboratory of Genetics, Children's Clinical University Hospital Latvia
Classification: Likely benign. Last evaluated: 2025-02-16. Review status: criteria provided, single submitter. Criteria: ACMG Guidelines, 2015. Collection method: clinical testing. Allele origin: germline. Affected: yes.

Blueprint Genetics
Classification: Likely benign. Last evaluated: 2024-07-17. Review status: criteria provided, single submitter. Criteria: ACMG Guidelines, 2015. Collection method: clinical testing. Allele origin: germline.